The following is an entry in ClinVar:

NM_022081.6(HPS4):c.680C>T (p.Thr227Met)

Gene: HPS4 (HPS4 biogenesis of lysosomal organelles complex 3 subunit 2; minus strand). Cytogenetic location: 22q12.1.
Variant type: single nucleotide variant.
Coding change: c.680C>T on transcript NM_022081.6 (MANE Select); coding-DNA position 680, C replaced by T.
Protein change: p.Thr227Met; replaces threonine 227 with methionine.
Molecular consequence: missense variant. On other transcripts: non-coding transcript variant (8).
Genome position (GRCh38, 1-based): chr22:26,466,252, G>A on the plus strand (C>T on the coding strand, the complement: HPS4 is on the minus strand). VCF-style: chr22-26466252-G-A. GRCh37 (hg19) VCF-style: chr22-26862218-G-A.
Other names: c.680C>T, p.Thr227Met (NM_001349896.1, NM_001349898.2, NM_001349899.2 and 6 more transcripts); c.665C>T, p.Thr222Met (NM_152841.2); short protein forms T222M, T227M.
Identifiers: ClinVar variation 901645 (VCV000901645.6), dbSNP rs201806802, ClinGen allele CA10163571.

ClinVar aggregate classification (germline): Uncertain significance. Review status: criteria provided, multiple submitters, no conflicts (2 of 4 stars). 2 submissions from 2 submitters: Uncertain significance (2). Last evaluated 2022-08-16.

Conditions:
Hermansky-Pudlak syndrome 4 (HPS4). Identifiers: Orphanet 231500, Orphanet 79430, MedGen C3484357, MONDO:0013556, OMIM 614073.

Allele frequency attached by ClinVar (database versions not stated): gnomAD 0.00004 and 0.00005; ExAC 0.00006; gnomAD exomes 0.00006 and 0.00007; TOPMed 0.00006; 1000 Genomes Project 0.00040; 1000 Genomes Project 30x 0.00047.
gnomAD v4.1: 111 of 1,614,124 alleles (0.0069%); highest among the groups gnomAD compares: East Asian, 0.076%; no homozygotes.

Submissions (2):

Labcorp Genetics (formerly Invitae), Labcorp
Classification: Uncertain significance. Last evaluated: 2022-08-16. Review status: criteria provided, single submitter. Criteria: Invitae Variant Classification Sherloc (09022015). Collection method: clinical testing. Allele origin: germline.
Comment: This sequence change replaces threonine, which is neutral and polar, with methionine, which is neutral and non-polar, at codon 227 of the HPS4 protein (p.Thr227Met). This variant is present in population databases (rs201806802, gnomAD 0.03%). This variant has not been reported in the literature in individuals affected with HPS4-related conditions. ClinVar contains an entry for this variant (Variation ID: 901645). Algorithms developed to predict the effect of missense changes on protein structure and function output the following: SIFT: "Tolerated"; PolyPhen-2: "Benign"; Align-GVGD: "Class C0". The methionine amino acid residue is found in multiple mammalian species, which suggests that this missense change does not adversely affect protein function. In summary, the available evidence is currently insufficient to determine the role of this variant in disease. Therefore, it has been classified as a Variant of Uncertain Significance.

Illumina Laboratory Services, Illumina
Classification: Uncertain significance for Hermansky-Pudlak syndrome 4. Last evaluated: 2018-01-13. Review status: criteria provided, single submitter. Criteria: ICSL Variant Classification Criteria 13 December 2019. Collection method: clinical testing. Allele origin: germline.